The following is an entry in ClinVar:

ClinVar aggregate classification (germline): Uncertain significance (1 of 4 stars; one submission).

gnomAD v4.1: 4 of 1,611,522 alleles (0.00025%); highest among the groups gnomAD compares: African/African-American, 0.0053%; no homozygotes.

Submission:

Labcorp Genetics (formerly Invitae), Labcorp
Classification: Uncertain significance. Last evaluated: 2024-02-07. Review status: criteria provided, single submitter. Criteria: Invitae Variant Classification Sherloc (09022015). Collection method: clinical testing. Allele origin: germline.
Comment: This sequence change falls in intron 50 of the HMCN1 gene. It does not directly change the encoded amino acid sequence of the HMCN1 protein. It affects a nucleotide within the consensus splice site. This variant is present in population databases (no rsID available, gnomAD 0.008%). This variant has not been reported in the literature in individuals affected with HMCN1-related conditions. Variants that disrupt the consensus splice site are a relatively common cause of aberrant splicing (PMID: 17576681, 9536098). Algorithms developed to predict the effect of sequence changes on RNA splicing suggest that this variant may disrupt the consensus splice site. In summary, the available evidence is currently insufficient to determine the role of this variant in disease. Therefore, it has been classified as a Variant of Uncertain Significance.

Literature cited by the submitters: PubMed 17576681; PubMed 9536098.

NM_031935.3(HMCN1):c.7879+4A>G

Gene: HMCN1 (hemicentin 1; plus strand). Cytogenetic location: 1q31.1.
Variant type: single nucleotide variant.
Coding change: c.7879+4A>G on transcript NM_031935.3 (MANE Select); 4 bases into the intron after coding-DNA position 7879, A replaced by G.
Molecular consequence: intron variant.
Genome position (GRCh38, 1-based): chr1:186,068,011, A>G. VCF-style: chr1-186068011-A-G. GRCh37 (hg19) VCF-style: chr1-186037143-A-G.
Identifiers: ClinVar variation 3630539 (VCV003630539.2).
Genomic context (GRCh38, chr1:186,068,011, plus strand): 5'-CCTGGTTTAAGGATGGCACTCCTTTAGAATCTAACCGAAATATTCGTATTCTTCCAGGTA[A>G]TTCATTTGCTTCAGATGTCCAAGATGCATCTGCGTCATCTACTATTCTAGAAAAGCAGAA-3'